The following is an entry in ClinVar:

Conditions:
Breast-ovarian cancer, familial, susceptibility to, 1 (BROVCA1). Also called: BRCA1 Hereditary Breast and Ovarian Cancer; OVARIAN CANCER, SUSCEPTIBILITY TO. Identifiers: Orphanet 145, MedGen C2676676, MONDO:0011450, OMIM 604370. Disease mechanism: loss of function.

Submission:

Brotman Baty Institute, University of Washington
No classification provided (evidence only). Condition: Breast-ovarian cancer, familial 1. Review status: no classification provided. Collection method: in vitro. Allele origin: not applicable. Functional consequence: functionally_normal.
ClinVar note: "not provided" was previously submitted as the classification for the variant. However, the classification appeared to be based only on an observation of functional data so it was converted to no classification on 2025-07-30.

NM_007294.4(BRCA1):c.134+20G>T

Gene: BRCA1 (BRCA1 DNA repair associated; minus strand). Cytogenetic location: 17q21.31.
Variant type: single nucleotide variant.
Coding change: c.134+20G>T on transcript NM_007294.4 (MANE Select); 20 bases into the intron after coding-DNA position 134, G replaced by T.
Molecular consequence: intron variant.
Genome position (GRCh38, 1-based): chr17:43,115,706, C>A on the plus strand (G>T on the coding strand, the complement: BRCA1 is on the minus strand). VCF-style: chr17-43115706-C-A. GRCh37 (hg19) VCF-style: chr17-41267723-C-A.
Other names: c.-8+20G>T (NM_001408470.1, NM_001407848.1, NM_001407839.1 and 47 more transcripts); c.-124+20G>T (NM_001407746.1, NM_001408468.1, NM_001407842.1 and 13 more transcripts); c.-8+8311G>T (NM_001408461.1, NM_001407738.1, NM_001407932.1 and 23 more transcripts); c.-55+20G>T (NM_001407886.1, NM_001408509.1, NM_001408508.1 and 52 more transcripts); c.134+20G>T (NM_001407686.1, NM_001408397.1, NM_001407632.1 and 191 more transcripts); c.80+8311G>T (NM_001408451.1); c.-55+8311G>T (NM_001407898.1, NM_001407881.1, NM_001407902.1); c.-171+20G>T (NM_001408492.1, NM_001407889.1, NM_001407900.1); and 10 more.
Identifiers: ClinVar variation 865170 (VCV000865170.3), dbSNP rs2055237738, ClinGen allele CA916080945.
Genomic context (GRCh38, chr17:43,115,706, plus strand): 5'-TATAAAGTTAGGTGTTTCCTGGGTTATGAAGGACAAAAACAAAAGCTAATAATGGAGCCA[C>A]ATAACACATTCAAACTTACTTGCAAAATATGTGGTCACACTTTGTGGAGACAGGTTCCTT-3'